The following is an entry in ClinVar:

ClinVar aggregate classification (germline): Benign. Review status: criteria provided, single submitter (1 of 4 stars). 2 submissions from 2 submitters: Benign (1). 1 of the submissions does not count toward it. Last evaluated 2020-01-03.

Conditions:
HNRNPA2B1-related disorder. Also called: HNRNPA2B1-related condition.

Allele frequency attached by ClinVar (database versions not stated): gnomAD 0.00021 and 0.00056; TOPMed 0.00030; ESP Exome Variant Server 0.00046; gnomAD exomes 0.00113; ExAC 0.00137; 1000 Genomes Project 30x 0.00344; 1000 Genomes Project 0.00399.
gnomAD v4.1: 1,033 of 1,610,708 alleles (0.064%); highest among the groups gnomAD compares: South Asian, 0.87%; 9 homozygotes.

Submissions (2):

GeneDx
Classification: Benign. Last evaluated: 2020-01-03. Review status: criteria provided, single submitter. Criteria: GeneDx Variant Classification Process June 2021. Collection method: clinical testing. Allele origin: germline. Affected: yes.

PreventionGenetics, part of Exact Sciences
Classification: Benign for HNRNPA2B1-related condition. Last evaluated: 2021-01-11. Review status: no assertion criteria provided. Collection method: clinical testing. Allele origin: germline. Not counted in ClinVar's aggregate classification.
Comment: This variant is classified as benign based on ACMG/AMP sequence variant interpretation guidelines (Richards et al. 2015 PMID: 25741868, with internal and published modifications).

NM_002137.4(HNRNPA2B1):c.*4T>G

Gene: HNRNPA2B1 (heterogeneous nuclear ribonucleoprotein A2/B1; minus strand). Cytogenetic location: 7p15.2.
Variant type: single nucleotide variant.
Coding change: c.*4T>G on transcript NM_002137.4 (MANE Select); 4 bases downstream of the stop codon, T replaced by G.
Molecular consequence: 3 prime UTR variant.
Genome position (GRCh38, 1-based): chr7:26,192,512, A>C on the plus strand (T>G on the coding strand, the complement: HNRNPA2B1 is on the minus strand). VCF-style: chr7-26192512-A-C. GRCh37 (hg19) VCF-style: chr7-26232132-A-C.
Other names: c.*4T>G (NM_031243.4).
Identifiers: ClinVar variation 1234745 (VCV001234745.5), dbSNP rs200301894, ClinGen allele CA4194367.